The following is an entry in ClinVar:

ClinVar aggregate classification (germline): Pathogenic. Review status: reviewed by expert panel (3 of 4 stars). 5 submissions from 5 submitters: Pathogenic (1). 4 of the submissions do not count toward it. Last evaluated 2016-10-18.

Conditions:
Breast-ovarian cancer, familial, susceptibility to, 2 (BROVCA2). Also called: BRCA2 Hereditary Breast and Ovarian Cancer. Identifiers: Orphanet 145, MedGen C2675520, MONDO:0012933, OMIM 612555. Disease mechanism: loss of function.
Hereditary breast ovarian cancer syndrome. Also called: BRCA1- and BRCA2-Associated Hereditary Breast and Ovarian Cancer; Hereditary breast and ovarian cancer; Breast and ovarian cancer; Hereditary breast and/or ovarian cancer syndrome; Hereditary breast and ovarian cancer syndrome; Hereditary breast and ovarian cancer syndrome (HBOC). Identifiers: Orphanet 145, MedGen C0677776, MeSH D061325, MONDO:0003582. Disease mechanism: loss of function.
Hereditary cancer-predisposing syndrome. Also called: Hereditary neoplastic syndrome; Neoplastic Syndromes, Hereditary; Tumor predisposition; Hereditary Cancer Syndrome. Identifiers: Orphanet 140162, MedGen C0027672, MeSH D009386, MONDO:0015356.

Submissions (5):

Evidence-based Network for the Interpretation of Germline Mutant Alleles (ENIGMA)
Classification: Pathogenic for Breast-ovarian cancer, familial, susceptibility to, 2. Last evaluated: 2016-10-18. Review status: reviewed by expert panel. Criteria: ENIGMA BRCA1/2 Classification Criteria (2015). Collection method: curation. Allele origin: germline.
Comment: Variant allele predicted to encode a truncated non-functional protein.

Labcorp Genetics (formerly Invitae), Labcorp
Classification: Pathogenic for Hereditary breast ovarian cancer syndrome. Last evaluated: 2023-10-15. Review status: criteria provided, single submitter. Criteria: Invitae Variant Classification Sherloc (09022015). Collection method: clinical testing. Allele origin: germline. Not counted in ClinVar's aggregate classification.
Comment: This sequence change creates a premature translational stop signal (p.Asp156*) in the BRCA2 gene. It is expected to result in an absent or disrupted protein product. Loss-of-function variants in BRCA2 are known to be pathogenic (PMID: 20104584). This variant is not present in population databases (gnomAD no frequency). This premature translational stop signal has been observed in individual(s) with breast cancer (PMID: 35264596). ClinVar contains an entry for this variant (Variation ID: 266824). For these reasons, this variant has been classified as Pathogenic.

Ambry Genetics
Classification: Pathogenic for Hereditary cancer-predisposing syndrome. Last evaluated: 2022-03-18. Review status: criteria provided, single submitter. Criteria: Ambry Variant Classification Scheme 2023. Collection method: clinical testing. Allele origin: germline. Not counted in ClinVar's aggregate classification.
Comment: The c.466_467delGA pathogenic mutation, located in coding exon 4 of the BRCA2 gene, results from a deletion of two nucleotides at nucleotide positions 466 to 467, causing a translational frameshift with a predicted alternate stop codon (p.D156*). This alteration has been identified in multiple breast and/or ovarian cancer patients (Kang E et al. Breast Cancer Res Treat, 2015 May;151:157-68; Kwong A et al. J Med Genet, 2016 Jan;53:15-23; Rebbeck TR et al. Hum Mutat, 2018 05;39:593-620). This variant is considered to be rare based on population cohorts in the Genome Aggregation Database (gnomAD). In addition to the clinical data presented in the literature, this alteration is expected to result in loss of function by premature protein truncation or nonsense-mediated mRNA decay. As such, this alteration is interpreted as a disease-causing mutation.

Mendelics
Classification: Pathogenic for Breast-ovarian cancer, familial, susceptibility to, 2. Last evaluated: 2019-05-28. Review status: criteria provided, single submitter. Criteria: Mendelics Assertion Criteria 2017. Collection method: clinical testing. Allele origin: unknown. Not counted in ClinVar's aggregate classification.

Consortium of Investigators of Modifiers of BRCA1/2 (CIMBA), c/o University of Cambridge
Classification: Pathogenic for Breast-ovarian cancer, familial, susceptibility to, 2. Last evaluated: 2015-10-02. Review status: criteria provided, single submitter. Criteria: CIMBA Mutation Classification guidelines May 2016. Collection method: clinical testing. Allele origin: germline. Not counted in ClinVar's aggregate classification.

Literature cited by the submitters: PubMed 20104584 (cited by Labcorp Genetics (formerly Invitae), Labcorp); PubMed 35264596 (cited by Labcorp Genetics (formerly Invitae), Labcorp); PubMed 25863477 (cited by Ambry Genetics); PubMed 26187060 (cited by Ambry Genetics); PubMed 29446198 (cited by Ambry Genetics).

NM_000059.4(BRCA2):c.466_467del (p.Arg155_Asp156insTer)

Gene: BRCA2 (BRCA2 DNA repair associated; plus strand). Cytogenetic location: 13q13.1.
Variant type: Microsatellite.
Coding change: c.466_467del on transcript NM_000059.4 (MANE Select); coding-DNA positions 466 to 467, 2 bases deleted (GA; older notation c.466_467delGA).
Protein change: p.Arg155_Asp156insTer.
Molecular consequence: nonsense.
Genome position (GRCh38, 1-based): chr13:32,326,141-32,326,142, GA deleted; deleting any 2 consecutive bases within chr13:32,326,138-32,326,142 gives the same sequence; the c. name uses the placement nearest the transcript's 3' end. VCF-style (leftmost placement, unchanged base first): chr13-32326137-AAG-A. GRCh37 (hg19) VCF-style: chr13-32900274-AAG-A.
Other names: 694_695delGA; c.466_467del (NM_000059.3).
Identifiers: ClinVar variation 266824 (VCV000266824.13), dbSNP rs886040542, ClinGen allele CA10589025.